The following is an entry in ClinVar:

NM_000329.3(RPE65):c.496-4G>A

Gene: RPE65 (retinoid isomerohydrolase RPE65; minus strand). Cytogenetic location: 1p31.3.
Variant type: single nucleotide variant.
Coding change: c.496-4G>A on transcript NM_000329.3 (MANE Select); 4 bases into the intron before coding-DNA position 496, G replaced by A.
Molecular consequence: intron variant.
Genome position (GRCh38, 1-based): chr1:68,441,004, C>T on the plus strand (G>A on the coding strand, the complement: RPE65 is on the minus strand). VCF-style: chr1-68441004-C-T. GRCh37 (hg19) VCF-style: chr1-68906687-C-T.
Identifiers: ClinVar variation 767213 (VCV000767213.19), dbSNP rs138146176, ClinGen allele CA902478.

ClinVar aggregate classification (germline): Likely benign. Review status: reviewed by expert panel (3 of 4 stars). 5 submissions from 5 submitters: Likely benign (1). 4 of the submissions do not count toward it. Last evaluated 2024-02-19.

Conditions:
Leber congenital amaurosis 2 (LCA2). Also called: AMAUROSIS CONGENITA OF LEBER II; Autosomal Recessive RPE65-Related Retinal Degeneration. Identifiers: Orphanet 65, MedGen C1859844, MONDO:0008765, OMIM 204100. Disease mechanism: loss of function.
Retinitis pigmentosa 20 (RP20). Identifiers: Orphanet 791, MedGen C3151086, MONDO:0013425, OMIM 613794.
Leber congenital amaurosis (LCA). Also called: Leber's amaurosis. Identifiers: Orphanet 65, MedGen C0339527, MeSH D057130, MONDO:0018998.
RPE65-related recessive retinopathy. Also called: Recessive RPE65 retinopathy. Identifiers: MedGen CN305526, MONDO:0100368.

Allele frequency attached by ClinVar (database versions not stated): gnomAD exomes 0.00006 and 0.00018; ExAC 0.00022; 1000 Genomes Project 0.00060; 1000 Genomes Project 30x 0.00062; gnomAD 0.00066 and 0.00069; ESP Exome Variant Server 0.00069; TOPMed 0.00075.

Submissions (5):

ClinGen Leber Congenital Amaurosis/early Onset Retinal Dystrophy Variant Curation Expert Panel, ClinGen
Classification: Likely benign for RPE65-related recessive retinopathy. Last evaluated: 2024-02-19. Review status: reviewed by expert panel. Criteria: ClinGen LCAeoRD ACMG Specifications RPE65 V1.0.0. Collection method: curation. Allele origin: germline. Inheritance: Autosomal recessive inheritance.
Comment: NM_000329.3(RPE65):c.496-4G>A is a non-coding variant near the junction of intron 5 with exon 6. This variant is present in gnomAD v.2.1.1 at a GrpMax allele frequency of 0.001437, with 59 alleles / 24910 total alleles in the African/African-American population, which is higher than the ClinGen LCA / eoRD VCEP BS1 threshold of >0.0008 (BS1). The splicing impact predictor SpliceAI gives a delta score of 0.01 for either acceptor loss or acceptor gain, which is below the ClinGen LCA / eoRD VCEP recommended threshold of <0.1 and does not predict an impact on splicing (BP4). In summary, this variant meets the criteria to be classified as likely benign for RPE65-related recessive retinopathy based on the ACMG/AMP criteria applied, as specified by the ClinGen LCA / eoRD VCEP: BS1, BP4. (VCEP specifications version 1.0.0; date of approval 09/21/2023).

CeGaT Center for Human Genetics Tuebingen
Classification: Likely benign. Last evaluated: 2026-09-01. Review status: criteria provided, single submitter. Criteria: CeGaT Center For Human Genetics Tuebingen Variant Classification Criteria Version 2. Collection method: clinical testing. Allele origin: germline. Affected: yes. Observed: 3 variant alleles. Not counted in ClinVar's aggregate classification.
Comment: RPE65: BP4, BS1

Labcorp Genetics (formerly Invitae), Labcorp
Classification: Likely benign for Leber congenital amaurosis 2; Retinitis pigmentosa 20. Last evaluated: 2026-01-25. Review status: criteria provided, single submitter. Criteria: Invitae Variant Classification Sherloc (09022015). Collection method: clinical testing. Allele origin: germline. Not counted in ClinVar's aggregate classification.

Blueprint Genetics
Classification: Likely benign. Last evaluated: 2024-01-23. Review status: criteria provided, single submitter. Criteria: ACMG Guidelines, 2015. Collection method: clinical testing. Allele origin: germline. Not counted in ClinVar's aggregate classification.

Natera, Inc.
Classification: Uncertain significance for Leber congenital amaurosis. Last evaluated: 2020-04-30. Review status: no assertion criteria provided. Collection method: clinical testing. Allele origin: germline. Not counted in ClinVar's aggregate classification.